The following is an entry in ClinVar:

NC_000017.11:g.8002596T>C

Gene: GUCY2D (guanylate cyclase 2D, retinal; plus strand). Cytogenetic location: 17p13.1.
Variant type: single nucleotide variant.
Genome position: GRCh38 VCF-style: chr17-8002596-T-C. GRCh37 (hg19) VCF-style: chr17-7905914-T-C.
Other names: c.-148T>C (NM_000180.4).
Identifiers: ClinVar variation 1184570 (VCV001184570.6), dbSNP rs774980016, ClinGen allele CA287522589.

ClinVar aggregate classification (germline): Conflicting classifications of pathogenicity. Review status: criteria provided, conflicting classifications (1 of 4 stars). 3 submissions from 3 submitters: Likely pathogenic (1); Uncertain significance (1). 1 of the submissions does not count toward it. Last evaluated 2026-07-31.

Conditions:
Leber congenital amaurosis 1 (LCA1). Also called: AMAUROSIS CONGENITA OF LEBER I; RETINAL BLINDNESS, CONGENITAL; Congenital absence of the rods and cones; Leber's congenital tapetoretinal degeneration; Leber's congenital tapetoretinal dysplasia. Identifiers: Orphanet 65, MedGen C2931258, MONDO:0008764, OMIM 204000.

Allele frequency attached by ClinVar (database versions not stated): TOPMed 0.00003; gnomAD 0.00004.

Submissions (3):

Department of Human Genetics, Hannover Medical School
Classification: Likely pathogenic for Leber congenital amaurosis 1. Last evaluated: 2026-07-31. Review status: criteria provided, single submitter. Criteria: ACMG Guidelines, 2015. Collection method: clinical testing. Allele origin: germline. Affected: yes.
Comment: ACMG/ClinGen GUCY2D VCEP: PS3_Supporting, PM2_Supporting, PM3_Strong, PP4 (internal data, PMID: 36084042)

Women's Health and Genetics/Laboratory Corporation of America, LabCorp
Classification: Uncertain significance. Last evaluated: 2025-01-03. Review status: criteria provided, single submitter. Criteria: LabCorp Variant Classification Summary - May 2015. Collection method: clinical testing. Allele origin: germline.
Comment: Variant summary: GUCY2D c.-148T>C is located in the untranscribed region upstream of the GUCY2D gene region. The variant allele was found at a frequency of 4.1e-05 in 171974 control chromosomes. The available data on variant occurrences in the general population are insufficient to allow any conclusion about variant significance. c.-148T>C has been reported in the literature in compound heterozygous individuals affected with Inherited retinal diseases (Daich Varela_2023). These report(s) do not provide unequivocal conclusions about association of the variant with Leber Congenital Amaurosis. At least one publication reports experimental evidence evaluating an impact on protein function. The most pronounced variant effect results in 40% reduction in an in vitro reporter assay (Daich Varela_2023). The following publication have been ascertained in the context of this evaluation (PMID: 36084042). ClinVar contains an entry for this variant (Variation ID: 1184570). Based on the evidence outlined above, the variant was classified as uncertain significance.

Genomics England Pilot Project, Genomics England
Classification: Likely pathogenic for Leber congenital amaurosis 1. Review status: no assertion criteria provided. Criteria: ACGS Guidelines, 2016. Collection method: clinical testing. Allele origin: germline. Affected: yes. Not counted in ClinVar's aggregate classification.

Literature cited by the submitters: PubMed 36084042 (cited by Women's Health and Genetics/Laboratory Corporation of America, LabCorp).